The following is an entry in ClinVar:

NM_201384.3(PLEC):c.9490G>A (p.Asp3164Asn)

Gene: PLEC (plectin; minus strand). Cytogenetic location: 8q24.3.
Variant type: single nucleotide variant.
Coding change: c.9490G>A on transcript NM_201384.3 (MANE Select); coding-DNA position 9490, G replaced by A.
Protein change: p.Asp3164Asn; replaces aspartic acid 3164 with asparagine.
Molecular consequence: missense variant.
Genome position (GRCh38, 1-based): chr8:143,920,331, C>T on the plus strand (G>A on the coding strand, the complement: PLEC is on the minus strand). VCF-style: chr8-143920331-C-T. GRCh37 (hg19) VCF-style: chr8-144994499-C-T.
Other names: c.9571G>A, p.Asp3191Asn (NM_000445.5); c.9448G>A, p.Asp3150Asn (NM_201378.4); c.9424G>A, p.Asp3142Asn (NM_201379.3); c.9901G>A, p.Asp3301Asn (NM_201380.4); c.9394G>A, p.Asp3132Asn (NM_201381.3); c.9490G>A, p.Asp3164Asn (NM_201382.4); c.9502G>A, p.Asp3168Asn (NM_201383.3); short protein forms D3150N, D3301N, D3132N, D3164N, D3168N, D3191N, D3142N.
Identifiers: ClinVar variation 1519547 (VCV001519547.8), dbSNP rs782682146, ClinGen allele CA4924954.
Genomic context (GRCh38, chr8:143,920,331, plus strand): 5'-GGTCACTGTAGGCCTTGGCGTCGGCCCTTGGTGCCGACAGGGCCCTGCTGGTCTCCTCAT[C>T]CAGGCAGCCTCGGGCGCAGGCGACATCCAGGGGCACGCGGTGGCTCTTGCTGGGGTCCAC-3'
Protein context (NP_958786.1, residues 3154-3174): LDVACARGCL[Asp3164Asn]EETSRALSAP

ClinVar aggregate classification (germline): Uncertain significance (1 of 4 stars; one submission).

Conditions:
Epidermolysis bullosa simplex 5B, with muscular dystrophy (EBS5B). Also called: EPIDERMOLYSIS BULLOSA SIMPLEX AND LIMB-GIRDLE MUSCULAR DYSTROPHY; Epidermolysis bullosa simplex with muscular dystrophy. Identifiers: Orphanet 257, MedGen C2931072, MONDO:0009181, OMIM 226670.
Epidermolysis bullosa simplex with nail dystrophy (EBS5D). Identifiers: MedGen C4225309, MONDO:0014661, OMIM 616487.
Epidermolysis bullosa simplex, Ogna type (EBS5A). Also called: Pidermolysis bullosa simplex 5A, Ogna type; EPIDERMOLYSIS BULLOSA SIMPLEX 5A, OGNA TYPE. Identifiers: Orphanet 79401, MedGen C0432317, MONDO:0007555, OMIM 131950.
Epidermolysis bullosa simplex 5C, with pyloric atresia (EBS5C). Also called: PLEC-Related Epidermolysis Bullosa with Pyloric Atresia; Epidermolysis bullosa simplex with pyloric atresia; PLEC1-Related Epidermolysis Bullosa with Pyloric Atresia. Identifiers: Orphanet 158684, MedGen C2677349, MONDO:0012807, OMIM 612138.
Autosomal recessive limb-girdle muscular dystrophy type 2Q (LGMDR17). Also called: MUSCULAR DYSTROPHY, LIMB-GIRDLE, AUTOSOMAL RECESSIVE 17. Identifiers: Orphanet 254361, MedGen C3150989, MONDO:0013390, OMIM 613723.

Allele frequency attached by ClinVar (database versions not stated): ExAC 0.00001; gnomAD 0.00001; gnomAD exomes 0.00001.
gnomAD v4.1: 4 of 1,593,456 alleles (0.00025%); highest among the groups gnomAD compares: Admixed American, 0.0052%; no homozygotes.

Submission:

Labcorp Genetics (formerly Invitae), Labcorp
Classification: Uncertain significance for Autosomal recessive limb-girdle muscular dystrophy type 2Q; Epidermolysis bullosa simplex, Ogna type; Epidermolysis bullosa simplex with nail dystrophy; Epidermolysis bullosa simplex 5C, with pyloric atresia; Epidermolysis bullosa simplex 5B, with muscular dystrophy. Last evaluated: 2020-12-07. Review status: criteria provided, single submitter. Criteria: Invitae Variant Classification Sherloc (09022015). Collection method: clinical testing. Allele origin: germline.
Comment: The frequency data for this variant in the population databases is considered unreliable, as metrics indicate poor data quality at this position in the ExAC database. In summary, the available evidence is currently insufficient to determine the role of this variant in disease. Therefore, it has been classified as a Variant of Uncertain Significance. Algorithms developed to predict the effect of missense changes on protein structure and function are either unavailable or do not agree on the potential impact of this missense change (SIFT: "Tolerated"; PolyPhen-2: "Possibly Damaging"; Align-GVGD: "Class C0"). This variant has not been reported in the literature in individuals with PLEC-related conditions. This sequence change replaces aspartic acid with asparagine at codon 3191 of the PLEC protein (p.Asp3191Asn). The aspartic acid residue is highly conserved and there is a small physicochemical difference between aspartic acid and asparagine.